The following is an entry in ClinVar:

ClinVar aggregate classification (germline): Uncertain significance (1 of 4 stars; one submission).

Allele frequency attached by ClinVar (database versions not stated): TOPMed below 0.00001.

Submission:

Labcorp Genetics (formerly Invitae), Labcorp
Classification: Uncertain significance. Last evaluated: 2021-03-20. Review status: criteria provided, single submitter. Criteria: Invitae Variant Classification Sherloc (09022015). Collection method: clinical testing. Allele origin: germline.
Comment: This variant is not present in population databases (ExAC no frequency). In summary, the available evidence is currently insufficient to determine the role of this variant in disease. Therefore, it has been classified as a Variant of Uncertain Significance. Algorithms developed to predict the effect of missense changes on protein structure and function are either unavailable or do not agree on the potential impact of this missense change (SIFT: "Tolerated"; PolyPhen-2: "Not Available"; Align-GVGD: "Class C25"). This variant has not been reported in the literature in individuals with CDH23-related conditions. This sequence change replaces proline with serine at codon 2416 of the CDH23 protein (p.Pro2416Ser). The proline residue is highly conserved and there is a moderate physicochemical difference between proline and serine.

NM_022124.6(CDH23):c.7246C>T (p.Pro2416Ser)

Gene: CDH23 (cadherin related 23; plus strand). Cytogenetic location: 10q22.1.
Variant type: single nucleotide variant.
Coding change: c.7246C>T on transcript NM_022124.6 (MANE Select); coding-DNA position 7246, C replaced by T.
Protein change: p.Pro2416Ser; replaces proline 2416 with serine.
Molecular consequence: missense variant.
Genome position (GRCh38, 1-based): chr10:71,799,513, C>T. VCF-style: chr10-71799513-C-T. GRCh37 (hg19) VCF-style: chr10-73559270-C-T.
Other names: c.526C>T, p.Pro176Ser (NM_001171933.1, NM_001171934.1); short protein forms P2416S, P176S.
Identifiers: ClinVar variation 1517601 (VCV001517601.8), dbSNP rs1264863505, ClinGen allele CA377159185.
Genomic context (GRCh38, chr10:71,799,513, plus strand): 5'-ACCTTGGCCTACTCTCTCTCCCTGCCCCCTGGGCTCCAGGAGGCTGTCTTTGAGGATGTG[C>T]CTGTGGGCACAATCATCCTGACAGTCACTGCCACTGATGCTGACTCAGGCAACTTTGCAC-3'
Protein context (NP_071407.4, residues 2406-2426): SYQEAVFEDV[Pro2416Ser]VGTIILTVTA